The following is an entry in ClinVar:

ClinVar aggregate classification (germline): Uncertain significance (1 of 4 stars; one submission).

Conditions:
Glycogen storage disease XV (GSD15). Also called: GLYCOGENIN DEFICIENCY; GSD XV. Identifiers: Orphanet 263297, MedGen C3150754, MONDO:0013291, OMIM 613507.
Polyglucosan body myopathy type 2. Identifiers: Orphanet 456369, MedGen C4015452, MONDO:0014526, OMIM 616199.

gnomAD v4.1: 2 of 1,613,978 alleles (0.00012%); highest among the groups gnomAD compares: South Asian, 0.0011%; no homozygotes.

Submission:

Labcorp Genetics (formerly Invitae), Labcorp
Classification: Uncertain significance for Polyglucosan body myopathy type 2; Glycogen storage disease XV. Last evaluated: 2022-09-06. Review status: criteria provided, single submitter. Criteria: Invitae Variant Classification Sherloc (09022015). Collection method: clinical testing. Allele origin: germline.
Comment: This variant has not been reported in the literature in individuals affected with GYG1-related conditions. This variant is not present in population databases (gnomAD no frequency). This sequence change replaces methionine, which is neutral and non-polar, with isoleucine, which is neutral and non-polar, at codon 311 of the GYG1 protein (p.Met311Ile). In summary, the available evidence is currently insufficient to determine the role of this variant in disease. Therefore, it has been classified as a Variant of Uncertain Significance. Algorithms developed to predict the effect of missense changes on protein structure and function (SIFT, PolyPhen-2, Align-GVGD) all suggest that this variant is likely to be tolerated. ClinVar contains an entry for this variant (Variation ID: 1427061).

NM_004130.4(GYG1):c.933G>A (p.Met311Ile)

Gene: GYG1 (glycogenin 1; plus strand). Cytogenetic location: 3q24.
Variant type: single nucleotide variant.
Coding change: c.933G>A on transcript NM_004130.4 (MANE Select); coding-DNA position 933, G replaced by A.
Protein change: p.Met311Ile; replaces methionine 311 with isoleucine.
Molecular consequence: missense variant. On other transcripts: nonsense (1).
Genome position (GRCh38, 1-based): chr3:149,026,813, G>A. VCF-style: chr3-149026813-G-A. GRCh37 (hg19) VCF-style: chr3-148744600-G-A.
Other names: c.882G>A, p.Met294Ile (NM_001184720.2); c.662G>A, p.Trp221Ter (NM_001184721.2); short protein forms M311I, W221*, M294I.
Identifiers: ClinVar variation 1427061 (VCV001427061.8), dbSNP rs2107924879, ClinGen allele CA354909336.